The following is an entry in ClinVar:

ClinVar aggregate classification (germline): Likely benign (1 of 4 stars; one submission).

Conditions:
Familial cancer of breast. Also called: hereditary breast carcinoma; Hereditary breast cancer; BREAST CANCER, FAMILIAL. Identifiers: Orphanet 227535, MedGen C0346153, MONDO:0016419, OMIM 114480. Disease mechanism: loss of function.

Submission:

Myriad Genetics, Inc.
Classification: Likely benign for Familial cancer of breast. Last evaluated: 2024-08-27. Review status: criteria provided, single submitter. Criteria: Myriad Autosomal Dominant, Autosomal Recessive and X-Linked Classification Criteria (2023). Collection method: clinical testing. Allele origin: unknown.
Comment: This variant is considered likely benign. This variant is intronic and is not expected to impact mRNA splicing.

NM_032043.3(BRIP1):c.1341-12A>T

Gene: BRIP1 (BRCA1 interacting DNA helicase 1; minus strand). Cytogenetic location: 17q23.2.
Variant type: single nucleotide variant.
Coding change: c.1341-12A>T on transcript NM_032043.3 (MANE Select); 12 bases into the intron before coding-DNA position 1341, A replaced by T.
Molecular consequence: intron variant.
Genome position (GRCh38, 1-based): chr17:61,793,741, T>A on the plus strand (A>T on the coding strand, the complement: BRIP1 is on the minus strand). VCF-style: chr17-61793741-T-A. GRCh37 (hg19) VCF-style: chr17-59871102-T-A.
Identifiers: ClinVar variation 3378893 (VCV003378893.1).